The following is an entry in ClinVar:

NM_052947.4(ALPK2):c.6139G>C (p.Glu2047Gln)

Gene: ALPK2 (alpha kinase 2; minus strand). Cytogenetic location: 18q21.31.
Variant type: single nucleotide variant.
Coding change: c.6139G>C on transcript NM_052947.4 (MANE Select); coding-DNA position 6139, G replaced by C.
Protein change: p.Glu2047Gln; replaces glutamic acid 2047 with glutamine.
Molecular consequence: missense variant.
Genome position (GRCh38, 1-based): chr18:58,504,039, C>G on the plus strand (G>C on the coding strand, the complement: ALPK2 is on the minus strand). VCF-style: chr18-58504039-C-G. GRCh37 (hg19) VCF-style: chr18-56171271-C-G.
Other names: short protein forms E2047Q.
Identifiers: ClinVar variation 2561779 (VCV002561779.2), dbSNP rs776201287, ClinGen allele CA402544099.

ClinVar aggregate classification (germline): Uncertain significance (1 of 4 stars; one submission).

Submission:

Ambry Genetics
Classification: Uncertain significance. Last evaluated: 2023-03-20. Review status: criteria provided, single submitter. Criteria: Ambry Variant Classification Scheme 2023. Collection method: clinical testing. Allele origin: germline.
Comment: The p.E2047Q variant (also known as c.6139G>C), located in coding exon 10 of the ALPK2 gene, results from a G to C substitution at nucleotide position 6139. The glutamic acid at codon 2047 is replaced by glutamine, an amino acid with highly similar properties. This amino acid position is conserved. In addition, this alteration is predicted to be tolerated by in silico analysis. Since supporting evidence is limited at this time, the clinical significance of this alteration remains unclear.